The following is an entry in ClinVar:

NM_030662.4(MAP2K2):c.1090A>G (p.Thr364Ala)

Gene: MAP2K2 (mitogen-activated protein kinase kinase 2; minus strand). Cytogenetic location: 19p13.3.
Variant type: single nucleotide variant.
Coding change: c.1090A>G on transcript NM_030662.4 (MANE Select); coding-DNA position 1090, A replaced by G.
Protein change: p.Thr364Ala; replaces threonine 364 with alanine.
Molecular consequence: missense variant.
Genome position (GRCh38, 1-based): chr19:4,094,455, T>C on the plus strand (A>G on the coding strand, the complement: MAP2K2 is on the minus strand). VCF-style: chr19-4094455-T-C. GRCh37 (hg19) VCF-style: chr19-4094453-T-C.
Other names: short protein forms T364A.
Identifiers: ClinVar variation 3021502 (VCV003021502.3), dbSNP rs2512302444, ClinGen allele CA403382420.

ClinVar aggregate classification (germline): Uncertain significance (1 of 4 stars; one submission).

Conditions:
RASopathy. Also called: rasopathies; Noonan spectrum disorder. Identifiers: Orphanet 536391, MedGen C5555857, MONDO:0021060.

Submission:

Labcorp Genetics (formerly Invitae), Labcorp
Classification: Uncertain significance for RASopathy. Last evaluated: 2023-10-04. Review status: criteria provided, single submitter. Criteria: Invitae Variant Classification Sherloc (09022015). Collection method: clinical testing. Allele origin: germline.
Comment: This sequence change replaces threonine, which is neutral and polar, with alanine, which is neutral and non-polar, at codon 364 of the MAP2K2 protein (p.Thr364Ala). This variant is not present in population databases (gnomAD no frequency). This variant has not been reported in the literature in individuals affected with MAP2K2-related conditions. An algorithm developed to predict the effect of missense changes on protein structure and function (PolyPhen-2) suggests that this variant is likely to be tolerated. In summary, the available evidence is currently insufficient to determine the role of this variant in disease. Therefore, it has been classified as a Variant of Uncertain Significance.